The following is an entry in ClinVar:

ClinVar aggregate classification (germline): Uncertain significance (1 of 4 stars; one submission).

Conditions:
Epileptic encephalopathy. Identifiers: MedGen C0543888, HP:0200134.

Allele frequency attached by ClinVar (database versions not stated): TOPMed 0.00002; gnomAD 0.00003; gnomAD exomes 0.00005; 1000 Genomes Project 0.00020; 1000 Genomes Project 30x 0.00031.

Submission:

Labcorp Genetics (formerly Invitae), Labcorp
Classification: Uncertain significance for Epileptic encephalopathy. Last evaluated: 2025-05-01. Review status: criteria provided, single submitter. Criteria: Invitae Variant Classification Sherloc (09022015). Collection method: clinical testing. Allele origin: germline.
Comment: This sequence change replaces arginine, which is basic and polar, with histidine, which is basic and polar, at codon 504 of the FASN protein (p.Arg504His). This variant is present in population databases (rs41283367, gnomAD 0.006%). This variant has not been reported in the literature in individuals affected with FASN-related conditions. ClinVar contains an entry for this variant (Variation ID: 2716736). An algorithm developed to predict the effect of missense changes on protein structure and function outputs the following: PolyPhen-2: "Benign". The histidine amino acid residue is found in multiple mammalian species, which suggests that this missense change does not adversely affect protein function. In summary, the available evidence is currently insufficient to determine the role of this variant in disease. Therefore, it has been classified as a Variant of Uncertain Significance.

NM_004104.5(FASN):c.1511G>A (p.Arg504His)

Gene: FASN (fatty acid synthase; minus strand). Cytogenetic location: 17q25.3.
Variant type: single nucleotide variant.
Coding change: c.1511G>A on transcript NM_004104.5 (MANE Select); coding-DNA position 1511, G replaced by A.
Protein change: p.Arg504His; replaces arginine 504 with histidine.
Molecular consequence: missense variant.
Genome position (GRCh38, 1-based): chr17:82,091,051, C>T on the plus strand (G>A on the coding strand, the complement: FASN is on the minus strand). VCF-style: chr17-82091051-C-T. GRCh37 (hg19) VCF-style: chr17-80048927-C-T.
Other names: short protein forms R504H.
Identifiers: ClinVar variation 2716736 (VCV002716736.3), dbSNP rs41283367, ClinGen allele CA295137495.